The following is an entry in ClinVar:

NM_015046.7(SETX):c.7271A>G (p.His2424Arg)

Genes: SETX (senataxin; minus strand), LOC126860782 (P300/CBP strongly-dependent group 1 enhancer GRCh37_chr9:135144739-135145938; plus strand). Cytogenetic location: 9q34.13.
Variant type: single nucleotide variant.
Coding change: c.7271A>G on transcript NM_015046.7 (MANE Select); coding-DNA position 7271, A replaced by G.
Protein change: p.His2424Arg; replaces histidine 2424 with arginine.
Molecular consequence: missense variant.
Genome position (GRCh38, 1-based): chr9:132,269,631, T>C on the plus strand (A>G on the coding strand, the complement: SETX is on the minus strand). VCF-style: chr9-132269631-T-C. GRCh37 (hg19) VCF-style: chr9-135145018-T-C.
Other names: c.7271A>G, p.His2424Arg (NM_001351527.2, NM_001351528.2); short protein forms H2424R.
Identifiers: ClinVar variation 1919342 (VCV001919342.5), dbSNP rs2538837657, ClinGen allele CA375327878.

ClinVar aggregate classification (germline): Uncertain significance (1 of 4 stars; one submission).

Conditions:
Amyotrophic lateral sclerosis type 4 (ALS4). Also called: AMYOTROPHIC LATERAL SCLEROSIS 4, JUVENILE; NEURONOPATHY, DISTAL HEREDITARY MOTOR, WITH PYRAMIDAL FEATURES. Identifiers: Orphanet 357043, MedGen C1865409, MONDO:0011223, OMIM 602433.
Spinocerebellar ataxia, autosomal recessive, with axonal neuropathy 2 (SCAN2). Also called: Ataxia with Oculomotor Apraxia; Ataxia with Oculomotor Apraxia Type 2; Ataxia-ocular apraxia-2; ATAXIA-OCULOMOTOR APRAXIA 2. Identifiers: Orphanet 64753, MedGen C1853761, MONDO:0018996, OMIM 606002.

Allele frequency attached by ClinVar (database versions not stated): gnomAD exomes below 0.00001.
gnomAD v4.1: 1 of 1,614,172 alleles (0.000062%); highest among the groups gnomAD compares: Non-Finnish European, 0.000085%; no homozygotes.

Submission:

Labcorp Genetics (formerly Invitae), Labcorp
Classification: Uncertain significance for Amyotrophic lateral sclerosis type 4; Spinocerebellar ataxia, autosomal recessive, with axonal neuropathy 2. Last evaluated: 2022-09-10. Review status: criteria provided, single submitter. Criteria: Invitae Variant Classification Sherloc (09022015). Collection method: clinical testing. Allele origin: germline.
Comment: In summary, the available evidence is currently insufficient to determine the role of this variant in disease. Therefore, it has been classified as a Variant of Uncertain Significance. Advanced modeling of protein sequence and biophysical properties (such as structural, functional, and spatial information, amino acid conservation, physicochemical variation, residue mobility, and thermodynamic stability) performed at Invitae indicates that this missense variant is not expected to disrupt SETX protein function. This variant has not been reported in the literature in individuals affected with SETX-related conditions. This variant is not present in population databases (gnomAD no frequency). This sequence change replaces histidine, which is basic and polar, with arginine, which is basic and polar, at codon 2424 of the SETX protein (p.His2424Arg).